The following is an entry in ClinVar:

ClinVar aggregate classification (germline): Pathogenic. Review status: reviewed by expert panel (3 of 4 stars). 8 submissions from 8 submitters: Pathogenic (1). 7 of the submissions do not count toward it. Last evaluated 2016-09-08.

Conditions:
Hereditary breast ovarian cancer syndrome. Also called: Hereditary breast and ovarian cancer; Breast and ovarian cancer; BRCA1- and BRCA2-Associated Hereditary Breast and Ovarian Cancer; Hereditary breast and ovarian cancer syndrome; Hereditary breast and ovarian cancer syndrome (HBOC); Hereditary breast and/or ovarian cancer syndrome. Identifiers: Orphanet 145, MedGen C0677776, MeSH D061325, MONDO:0003582. Disease mechanism: loss of function.
Hereditary cancer-predisposing syndrome. Also called: Tumor predisposition; Hereditary Cancer Syndrome; Hereditary neoplastic syndrome; Neoplastic Syndromes, Hereditary. Identifiers: Orphanet 140162, MedGen C0027672, MeSH D009386, MONDO:0015356.
Breast-ovarian cancer, familial, susceptibility to, 2 (BROVCA2). Also called: BRCA2 Hereditary Breast and Ovarian Cancer. Identifiers: Orphanet 145, MedGen C2675520, MONDO:0012933, OMIM 612555. Disease mechanism: loss of function.

Submissions (8):

Evidence-based Network for the Interpretation of Germline Mutant Alleles (ENIGMA)
Classification: Pathogenic for Breast-ovarian cancer, familial, susceptibility to, 2. Last evaluated: 2016-09-08. Review status: reviewed by expert panel. Criteria: ENIGMA BRCA1/2 Classification Criteria (2015). Collection method: curation. Allele origin: germline.
Comment: Variant allele predicted to encode a truncated non-functional protein.

Labcorp Genetics (formerly Invitae), Labcorp
Classification: Pathogenic for Hereditary breast ovarian cancer syndrome. Last evaluated: 2025-12-07. Review status: criteria provided, single submitter. Criteria: Invitae Variant Classification Sherloc (09022015). Collection method: clinical testing. Allele origin: germline. Not counted in ClinVar's aggregate classification.
Comment: This sequence change creates a premature translational stop signal (p.Tyr2383Leufs*9) in the BRCA2 gene. It is expected to result in an absent or disrupted protein product. Loss-of-function variants in BRCA2 are known to be pathogenic (PMID: 20104584). This variant is present in population databases (rs778239573, gnomAD 0.0009%). This premature translational stop signal has been observed in individual(s) with BRCA2-related conditions (PMID: 21520333). ClinVar contains an entry for this variant (Variation ID: 236897). For these reasons, this variant has been classified as Pathogenic.

Ambry Genetics
Classification: Pathogenic for Hereditary cancer-predisposing syndrome. Last evaluated: 2025-04-16. Review status: criteria provided, single submitter. Criteria: Ambry Variant Classification Scheme 2023. Collection method: clinical testing. Allele origin: germline. Not counted in ClinVar's aggregate classification.
Comment: The c.7147dupT pathogenic mutation, located in coding exon 13 of the BRCA2 gene, results from a duplication of T at nucleotide position 7147, causing a translational frameshift with a predicted alternate stop codon (p.Y2383Lfs*9). This alteration is expected to result in loss of function by premature protein truncation or nonsense-mediated mRNA decay. As such, this alteration is interpreted as a disease-causing mutation.

GeneDx
Classification: Pathogenic. Last evaluated: 2024-02-09. Review status: criteria provided, single submitter. Criteria: GeneDx Variant Classification Process June 2021. Collection method: clinical testing. Allele origin: germline. Affected: yes. Not counted in ClinVar's aggregate classification.
Comment: Frameshift variant predicted to result in protein truncation or nonsense mediated decay in a gene for which loss of function is a known mechanism of disease; Truncating variants in this gene are considered pathogenic by a well-established clinical consortium and/or database; Not observed at significant frequency in large population cohorts (gnomAD); Observed in individuals with a personal or family history consistent with pathogenic variants in this gene (PMID: 29446198); Also known as 7375dupT; This variant is associated with the following publications: (PMID: 29446198, 29922827)

Laboratory for Molecular Medicine, Mass General Brigham Personalized Medicine
Classification: Likely pathogenic for Hereditary breast ovarian cancer syndrome. Last evaluated: 2020-06-19. Review status: criteria provided, single submitter. Criteria: ACMG Guidelines, 2015. Collection method: clinical testing. Allele origin: germline. Not counted in ClinVar's aggregate classification.
Comment: The p.Tyr2383LeufsX9 variant in BRCA2 has not been reported in the literature in individuals with a BRCA2-related disease. This vairant has been identified in 0.0009% (1/113588) of European chromosomes by gnomAD; however, this frequency is low enough to be consistent with the frequency of hereditary breast and ovarian cancer (HBOC) in the general population. This variant is predicted to cause a frameshift, which alters the protein’s amino acid sequence beginning at position 2383 and leads to a premature termination codon 9 amino acids downstream. This alteration is then predicted to lead to a truncated or absent protein. Loss of function of the BRCA2 gene is an established disease mechanism in autosomal dominant HBOC. Additionally, this variant was classified as pathogenic on September 8, 2016 by the ClinGen-approved ENIGMA expert panel (ClinVar SCV000301135.2) and has been reported by other clinical laboratories in ClinVar (Variation ID: 236897). In summary, although additional studies are required to fully establish its clinical significance, this variant meets criteria to be classified as likely pathogenic for autosomal dominant hereditary breast and ovarian cancer. ACMG/AMP codes applied: PVS1, PM2.

Women's Health and Genetics/Laboratory Corporation of America, LabCorp
Classification: Likely pathogenic for Hereditary breast ovarian cancer syndrome. Last evaluated: 2016-10-13. Review status: criteria provided, single submitter. Criteria: LabCorp Variant Classification Summary - May 2015. Collection method: clinical testing. Allele origin: germline. Not counted in ClinVar's aggregate classification.
Comment: Variant summary: This c.7147dupT variant in BRCA2 gene leads to that results in the loss of the 1023 amino acids of BRCA2 (~70%). This change is predicted to cause loss of normal protein function through protein truncation or nonsense-mediated mRNA decay. The variant is absent from the control dataset of ExAC and has not, to our knowledge, been reported in affected individuals via published reports. Lastly, the variant has been cited as Pathogenic by a reputable database/clinical laboratory. Taking together, the variant was classified as Likely Pathogenic.

Consortium of Investigators of Modifiers of BRCA1/2 (CIMBA), c/o University of Cambridge
Classification: Pathogenic for Breast-ovarian cancer, familial, susceptibility to, 2. Last evaluated: 2015-10-02. Review status: criteria provided, single submitter. Criteria: CIMBA Mutation Classification guidelines May 2016. Collection method: clinical testing. Allele origin: germline. Not counted in ClinVar's aggregate classification.

BRCAlab, Lund University
Classification: Pathogenic for Breast-ovarian cancer, familial, susceptibility to, 2. Last evaluated: 2022-08-26. Review status: no assertion criteria provided. Collection method: clinical testing. Allele origin: germline. Affected: yes. Not counted in ClinVar's aggregate classification.

Literature cited by the submitters: PubMed 20104584 (cited by Labcorp Genetics (formerly Invitae), Labcorp and Ambry Genetics); PubMed 21520333 (cited by Labcorp Genetics (formerly Invitae), Labcorp); PubMed 29446198 (cited by Ambry Genetics); PubMed 29922827 (cited by Ambry Genetics).

NM_000059.4(BRCA2):c.7147dup (p.Tyr2383fs)

Gene: BRCA2 (BRCA2 DNA repair associated; plus strand). Cytogenetic location: 13q13.1.
Variant type: Duplication.
Coding change: c.7147dup on transcript NM_000059.4 (MANE Select); coding-DNA position 7147, one base duplicated (T; older notation c.7147dupT).
Protein change: p.Tyr2383fs; shifts the reading frame from tyrosine 2383.
Molecular consequence: frameshift variant.
Genome position (GRCh38, 1-based): chr13:32,355,000, T duplicated; the last of 4 consecutive T bases (chr13:32,354,997-32,355,000); duplicating any one gives the same sequence. VCF-style (leftmost placement, unchanged base first): chr13-32354996-A-AT. GRCh37 (hg19) VCF-style: chr13-32929133-A-AT.
Other names: c.7147dupT (NM_000059.3); short protein forms Y2383fs.
Identifiers: ClinVar variation 236897 (VCV000236897.35), dbSNP rs878853599, ClinGen allele CA6941064.